The following is an entry in ClinVar:

NC_000008.10:g.(?_100654029)_(100654736_?)del

Gene: VPS13B (vacuolar protein sorting 13 homolog B; plus strand). Cytogenetic location: 8q22.2.
Variant type: Deletion.
Identifiers: ClinVar variation 1074671 (VCV001074671.6).

ClinVar aggregate classification (germline): Pathogenic (1 of 4 stars; one submission).

Conditions:
Cohen syndrome (COH1). Also called: PEPPER SYNDROME; Cutis verticis gyrata, retinitis pigmentosa, and sensorineural deafness. Identifiers: Orphanet 193, MedGen C0265223, MONDO:0008999, OMIM 216550.

Submission:

Labcorp Genetics (formerly Invitae), Labcorp
Classification: Pathogenic for Cohen syndrome. Last evaluated: 2022-09-26. Review status: criteria provided, single submitter. Criteria: Invitae Variant Classification Sherloc (09022015). Collection method: clinical testing. Allele origin: germline.
Comment: This variant is a gross deletion of the genomic region encompassing exon(s) 34 of the VPS13B gene. This deletion is out-of-frame, and is expected to create a premature termination codon and result in an absent or disrupted protein product. Loss-of-function variants in VPS13B are known to be pathogenic (PMID: 15141358, 16648375, 20461111). For these reasons, this variant has been classified as Pathogenic. A similar copy number variant has been observed in individual(s) with Cohen syndrome (PMID: 22382802).

Literature cited by the submitters: PubMed 15141358; PubMed 16648375; PubMed 20461111; PubMed 22382802.